The following is an entry in ClinVar:

ClinVar aggregate classification (germline): Likely benign. Review status: reviewed by expert panel (3 of 4 stars). 6 submissions from 6 submitters: Likely benign (1). 5 of the submissions do not count toward it. Last evaluated 2017-06-29.

Conditions:
Hereditary cancer-predisposing syndrome. Also called: Tumor predisposition; Hereditary Cancer Syndrome; Neoplastic Syndromes, Hereditary; Hereditary neoplastic syndrome. Identifiers: Orphanet 140162, MedGen C0027672, MeSH D009386, MONDO:0015356.
Breast-ovarian cancer, familial, susceptibility to, 1 (BROVCA1). Also called: BRCA1 Hereditary Breast and Ovarian Cancer; OVARIAN CANCER, SUSCEPTIBILITY TO. Identifiers: Orphanet 145, MedGen C2676676, MONDO:0011450, OMIM 604370. Disease mechanism: loss of function.
Hereditary breast ovarian cancer syndrome. Also called: Breast and ovarian cancer; Hereditary breast and ovarian cancer; Hereditary breast and ovarian cancer syndrome; Hereditary breast and/or ovarian cancer syndrome; BRCA1- and BRCA2-Associated Hereditary Breast and Ovarian Cancer; Hereditary breast and ovarian cancer syndrome (HBOC). Identifiers: Orphanet 145, MedGen C0677776, MeSH D061325, MONDO:0003582. Disease mechanism: loss of function.
BRCA1-related cancer predisposition. Identifiers: MedGen CN377757, MONDO:0700268.

Allele frequency attached by ClinVar (database versions not stated): gnomAD exomes below 0.00001.
gnomAD v4.1: 1 of 1,608,146 alleles (0.000062%); highest among the groups gnomAD compares: Non-Finnish European, 0.000085%; no homozygotes.

Submissions (7):

Evidence-based Network for the Interpretation of Germline Mutant Alleles (ENIGMA)
Classification: Likely benign for Breast-ovarian cancer, familial, susceptibility to, 1. Last evaluated: 2017-06-29. Review status: reviewed by expert panel. Criteria: ENIGMA BRCA1/2 Classification Criteria (2017-06-29). Collection method: curation. Allele origin: germline.
Comment: Synonymous substitution variant, with low bioinformatic likelihood to result in a splicing aberration (Splicing prior probability 0.04).

All of Us Research Program, National Institutes of Health
Classification: Uncertain significance for BRCA1-related cancer predisposition. Last evaluated: 2024-08-06. Review status: criteria provided, single submitter. Criteria: ACMG Guidelines, 2015. Collection method: clinical testing. Allele origin: germline. Inheritance: Autosomal dominant inheritance. Observed: 1 variant allele, 1 heterozygote. Not counted in ClinVar's aggregate classification.
Comment: This study involves interpretation of variants in research participants for the purpose of population health screening. Participant phenotype was not available at the time of variant classification. Additional details can be found in publication PMID: 35346344, PMCID: PMC8962531

Labcorp Genetics (formerly Invitae), Labcorp
Classification: Likely benign for Hereditary breast ovarian cancer syndrome. Last evaluated: 2024-02-12. Review status: criteria provided, single submitter. Criteria: Invitae Variant Classification Sherloc (09022015). Collection method: clinical testing. Allele origin: germline. Not counted in ClinVar's aggregate classification.

Color Diagnostics, LLC DBA Color Health
Classification: Uncertain significance for Hereditary cancer-predisposing syndrome. Last evaluated: 2019-06-06. Review status: criteria provided, single submitter. Criteria: ACMG Guidelines, 2015. Collection method: clinical testing. Allele origin: germline. Not counted in ClinVar's aggregate classification.

Ambry Genetics
Classification: Likely benign for Hereditary cancer-predisposing syndrome. Last evaluated: 2017-10-12. Review status: criteria provided, single submitter. Criteria: Ambry Variant Classification Scheme 2023. Collection method: clinical testing. Allele origin: germline. Not counted in ClinVar's aggregate classification.

BRCAlab, Lund University
Classification: Likely benign for Breast-ovarian cancer, familial, susceptibility to, 1. Last evaluated: 2020-03-02. Review status: no assertion criteria provided. Collection method: clinical testing. Allele origin: germline. Affected: yes. Not counted in ClinVar's aggregate classification.

Brotman Baty Institute, University of Washington
No classification provided (evidence only). Condition: Breast-ovarian cancer, familial 1. Review status: no classification provided. Collection method: in vitro. Allele origin: not applicable. Functional consequence: functionally_normal. Not counted in ClinVar's aggregate classification.
ClinVar note: "not provided" was previously submitted as the classification for the variant. However, the classification appeared to be based only on an observation of functional data so it was converted to no classification on 2025-07-30.

NM_007294.4(BRCA1):c.5193G>A (p.Glu1731=)

Gene: BRCA1 (BRCA1 DNA repair associated; minus strand). Cytogenetic location: 17q21.31.
Variant type: single nucleotide variant.
Coding change: c.5193G>A on transcript NM_007294.4 (MANE Select); coding-DNA position 5193, G replaced by A.
Protein change: p.Glu1731=; no amino-acid change (glutamic acid 1731 retained).
Molecular consequence: synonymous variant.
Genome position (GRCh38, 1-based): chr17:43,063,333, C>T on the plus strand (G>A on the coding strand, the complement: BRCA1 is on the minus strand). VCF-style: chr17-43063333-C-T. GRCh37 (hg19) VCF-style: chr17-41215350-C-T.
Other names: c.5193G>A, p.Glu1731= (NM_001407854.1, NM_001407593.1, NM_001407594.1 and 7 more transcripts); c.5190G>A, p.Glu1730= (NM_001407858.1, NM_001407859.1, NM_001407860.1 and 17 more transcripts); c.5187G>A, p.Glu1729= (NM_001407861.1, NM_001407627.1, NM_001407628.1 and 14 more transcripts); c.4992G>A, p.Glu1664= (NM_001407862.1); c.4989G>A, p.Glu1663= (NM_001407863.1); c.4986G>A, p.Glu1662= (NM_001407874.1, NM_001407875.1); c.4983G>A, p.Glu1661= (NM_001407879.1, NM_001407881.1, NM_001407882.1 and 5 more transcripts); c.4980G>A, p.Glu1660= (NM_001407894.1, NM_001407895.1, NM_001407896.1 and 12 more transcripts); and 72 more.
Identifiers: ClinVar variation 233877 (VCV000233877.25), dbSNP rs876660702, ClinGen allele CA10580496.